The following is an entry in ClinVar:

NM_006521.6(TFE3):c.9T>A (p.His3Gln)

Gene: TFE3 (transcription factor binding to IGHM enhancer 3; minus strand). Cytogenetic location: Xp11.23.
Variant type: single nucleotide variant.
Coding change: c.9T>A on transcript NM_006521.6 (MANE Select); coding-DNA position 9, T replaced by A.
Protein change: p.His3Gln; replaces histidine 3 with glutamine.
Molecular consequence: missense variant. On other transcripts: 5 prime UTR variant (1).
Genome position (GRCh38, 1-based): chrX:49,043,218, A>T on the plus strand (T>A on the coding strand, the complement: TFE3 is on the minus strand). VCF-style: chrX-49043218-A-T. GRCh37 (hg19) VCF-style: chrX-48900744-A-T.
Other names: c.-242T>A (NM_001282142.2); short protein forms H3Q.
Identifiers: ClinVar variation 3360705 (VCV003360705.1).

ClinVar aggregate classification (germline): Uncertain significance (1 of 4 stars; one submission).

gnomAD v4.1: 1 of 1,165,892 alleles (0.000086%); highest among the groups gnomAD compares: Non-Finnish European, 0.00011%; no homozygotes.

Submission:

GeneDx
Classification: Uncertain significance. Last evaluated: 2023-07-05. Review status: criteria provided, single submitter. Criteria: GeneDx Variant Classification Process June 2021. Collection method: clinical testing. Allele origin: germline. Affected: yes.
Comment: Not observed at significant frequency in large population cohorts (gnomAD); In silico analysis supports that this missense variant does not alter protein structure/function; Has not been previously published as pathogenic or benign to our knowledge